The following is an entry in ClinVar:

NM_001080476.3(GRXCR1):c.62C>G (p.Ala21Gly)

Gene: GRXCR1 (glutaredoxin and cysteine rich domain containing 1; plus strand). Cytogenetic location: 4p13.
Variant type: single nucleotide variant.
Coding change: c.62C>G on transcript NM_001080476.3 (MANE Select); coding-DNA position 62, C replaced by G.
Protein change: p.Ala21Gly; replaces alanine 21 with glycine.
Molecular consequence: missense variant.
Genome position (GRCh38, 1-based): chr4:42,893,328, C>G. VCF-style: chr4-42893328-C-G. GRCh37 (hg19) VCF-style: chr4-42895345-C-G.
Other names: short protein forms A21G.
Identifiers: ClinVar variation 4980487 (VCV004980487.1).

ClinVar aggregate classification (germline): Uncertain significance (1 of 4 stars; one submission).

Conditions:
GRXCR1-related disorder. Also called: GRXCR1-related condition.

gnomAD v4.1: 17 of 1,613,626 alleles (0.0011%); highest among the groups gnomAD compares: East Asian, 0.0067%; no homozygotes.

Submission:

PreventionGenetics, part of Exact Sciences
Classification: Uncertain significance for GRXCR1-related condition. Last evaluated: 2025-12-29. Review status: criteria provided, single submitter. Criteria: ACMG Guidelines, 2015. Collection method: clinical testing. Allele origin: germline.
Comment: The GRXCR1 c.62C>G variant is predicted to result in the amino acid substitution p.Ala21Gly. To our knowledge, this variant has not been reported in the literature. This variant is reported in 0.0051% of alleles in individuals of East Asian descent in gnomAD. At this time, the clinical significance of this variant is uncertain due to the absence of conclusive functional and genetic evidence.